The following is an entry in ClinVar:

ClinVar aggregate classification (germline): Uncertain significance (1 of 4 stars; one submission).

Submission:

GeneDx
Classification: Uncertain significance. Last evaluated: 2023-02-08. Review status: criteria provided, single submitter. Criteria: GeneDx Variant Classification Process June 2021. Collection method: clinical testing. Allele origin: germline. Affected: yes.
Comment: Not observed at significant frequency in large population cohorts (gnomAD); In silico analysis supports that this missense variant has a deleterious effect on protein structure/function; Has not been previously published as pathogenic or benign to our knowledge

NM_004247.4(EFTUD2):c.2172G>T (p.Trp724Cys)

Gene: EFTUD2 (elongation factor Tu GTP binding domain containing 2; minus strand). Cytogenetic location: 17q21.31.
Variant type: single nucleotide variant.
Coding change: c.2172G>T on transcript NM_004247.4 (MANE Select); coding-DNA position 2172, G replaced by T.
Protein change: p.Trp724Cys; replaces tryptophan 724 with cysteine.
Molecular consequence: missense variant.
Genome position (GRCh38, 1-based): chr17:44,854,643, C>A on the plus strand (G>T on the coding strand, the complement: EFTUD2 is on the minus strand). VCF-style: chr17-44854643-C-A. GRCh37 (hg19) VCF-style: chr17-42932011-C-A.
Other names: c.2067G>T, p.Trp689Cys (NM_001142605.2); c.2172G>T, p.Trp724Cys (NM_001258353.2); c.2142G>T, p.Trp714Cys (NM_001258354.2); short protein forms W689C, W714C, W724C.
Identifiers: ClinVar variation 2575538 (VCV002575538.1), dbSNP rs2508729859, ClinGen allele CA399843150.
Genomic context (GRCh38, chr17:44,854,643, plus strand): 5'-AATGTTGGGGCCAGTCGCATCAGGGCCAAAAGCCCAGATGGAACGGGCAGCCAGCAGATC[C>A]CAATCGTACTTGGTCTGGAAGAACTCTCCCAGCTTCTTCCTGGGGAAGGGAGGAGACAAT-3'
Protein context (NP_004238.3, residues 714-734): LGEFFQTKYD[Trp724Cys]DLLAARSIWA